The following is an entry in ClinVar:

ClinVar aggregate classification (germline): Pathogenic (1 of 4 stars; one submission).

Conditions:
Hereditary cancer-predisposing syndrome. Also called: Tumor predisposition; Neoplastic Syndromes, Hereditary; Hereditary Cancer Syndrome; Hereditary neoplastic syndrome. Identifiers: Orphanet 140162, MedGen C0027672, MeSH D009386, MONDO:0015356.

Submission:

Ambry Genetics
Classification: Pathogenic for Hereditary cancer-predisposing syndrome. Last evaluated: 2024-10-18. Review status: criteria provided, single submitter. Criteria: Ambry Variant Classification Scheme 2023. Collection method: clinical testing. Allele origin: germline.
Comment: The c.638delA pathogenic mutation, located in coding exon 7 of the BRCA2 gene, results from a deletion of one nucleotide at nucleotide position 638, causing a translational frameshift with a predicted alternate stop codon (p.N213Mfs*17). This variant is considered to be rare based on population cohorts in the Genome Aggregation Database (gnomAD). This alteration is expected to result in loss of function by premature protein truncation or nonsense-mediated mRNA decay. As such, this alteration is interpreted as a disease-causing mutation.

NM_000059.4(BRCA2):c.638del (p.Asn213fs)

Gene: BRCA2 (BRCA2 DNA repair associated; plus strand). Cytogenetic location: 13q13.1.
Variant type: Deletion.
Coding change: c.638del on transcript NM_000059.4 (MANE Select); coding-DNA position 638, one base deleted (A; older notation c.638delA).
Protein change: p.Asn213fs; shifts the reading frame from asparagine 213.
Molecular consequence: frameshift variant. On other transcripts: non-coding transcript variant (1).
Genome position (GRCh38, 1-based): chr13:32,329,449, A deleted; the last of 3 consecutive A bases (chr13:32,329,447-32,329,449); deleting any one gives the same sequence. VCF-style (leftmost placement, unchanged base first): chr13-32329446-GA-G. GRCh37 (hg19) VCF-style: chr13-32903583-GA-G.
Other names: c.638del, p.Asn213fs (NM_001406719.1, NM_001406720.1, NM_001406721.1 and 1 more transcripts); c.269del, p.Asn90fs (NM_001406722.1); short protein forms N213fs, N90fs.
Identifiers: ClinVar variation 3482125 (VCV003482125.1).
Genomic context (GRCh38, chr13:32,329,446, plus strand): 5'-AATAAGTTTTTGCATTCTAGTGATAATATACAATACACATAAATTTTTATCTTACAGTCA[GA>G]AATGAAGAAGCATCTGAAACTGTATTTCCTCATGATACTACTGCTGTAAGTAAATATGAC-3'